The following is an entry in ClinVar:

ClinVar aggregate classification (germline): Uncertain significance (1 of 4 stars; one submission).

gnomAD v4.1: 48 of 1,479,186 alleles (0.0032%); highest among the groups gnomAD compares: Non-Finnish European, 0.004%; no homozygotes.

Submission:

GeneDx
Classification: Uncertain significance. Last evaluated: 2024-08-19. Review status: criteria provided, single submitter. Criteria: GeneDx Variant Classification Process June 2021. Collection method: clinical testing. Allele origin: germline. Affected: yes.
Comment: In silico analysis supports that this missense variant has a deleterious effect on protein structure/function; Has not been previously published as pathogenic or benign to our knowledge

NM_001145026.2(PTPRQ):c.4597A>G (p.Thr1533Ala)

Gene: PTPRQ (protein tyrosine phosphatase receptor type Q; plus strand). Cytogenetic location: 12q21.31.
Variant type: single nucleotide variant.
Coding change: c.4597A>G on transcript NM_001145026.2 (MANE Select); coding-DNA position 4597, A replaced by G.
Protein change: p.Thr1533Ala; replaces threonine 1533 with alanine.
Molecular consequence: missense variant.
Genome position (GRCh38, 1-based): chr12:80,588,440, A>G. VCF-style: chr12-80588440-A-G. GRCh37 (hg19) VCF-style: chr12-80982219-A-G.
Other names: short protein forms T1533A.
Identifiers: ClinVar variation 3764281 (VCV003764281.1).
Genomic context (GRCh38, chr12:80,588,440, plus strand): 5'-CAAGTGGCTGCCAGCACCAATGCTGGCTATGGCAATGCTTCAAACTGGATTTCTACAAAA[A>G]CTCTGCCTGGCCGTGAGTATTGTCCTGACATGTACATACTGATTTCTGTTATATTCTGTA-3'
Protein context (NP_001138498.1, residues 1523-1543): GNASNWISTK[Thr1533Ala]LPGPPDGPPE